The following is an entry in ClinVar:

NM_002168.4(IDH2):c.425T>C (p.Ile142Thr)

Gene: IDH2 (isocitrate dehydrogenase (NADP(+)) 2; minus strand). Cytogenetic location: 15q26.1.
Variant type: single nucleotide variant.
Coding change: c.425T>C on transcript NM_002168.4 (MANE Select); coding-DNA position 425, T replaced by C.
Protein change: p.Ile142Thr; replaces isoleucine 142 with threonine.
Molecular consequence: missense variant.
Genome position (GRCh38, 1-based): chr15:90,088,696, A>G on the plus strand (T>C on the coding strand, the complement: IDH2 is on the minus strand). VCF-style: chr15-90088696-A-G. GRCh37 (hg19) VCF-style: chr15-90631928-A-G.
Other names: c.269T>C, p.Ile90Thr (NM_001289910.1); c.35T>C, p.Ile12Thr (NM_001290114.2); short protein forms I12T, I142T, I90T.
Identifiers: ClinVar variation 1927900 (VCV001927900.5), dbSNP rs767832682, ClinGen allele CA7733191.

ClinVar aggregate classification (germline): Uncertain significance (1 of 4 stars; one submission).

Conditions:
D-2-hydroxyglutaric aciduria 2 (D2HGA2). Identifiers: Orphanet 79315, MedGen C3150909, MONDO:0013345, OMIM 613657.

Allele frequency attached by ClinVar (database versions not stated): gnomAD exomes below 0.00001; ExAC 0.00001.
gnomAD v4.1: 2 of 1,614,024 alleles (0.00012%); highest among the groups gnomAD compares: Non-Finnish European, 0.00017%; no homozygotes.

Submission:

Labcorp Genetics (formerly Invitae), Labcorp
Classification: Uncertain significance for D-2-hydroxyglutaric aciduria 2. Last evaluated: 2022-10-24. Review status: criteria provided, single submitter. Criteria: Invitae Variant Classification Sherloc (09022015). Collection method: clinical testing. Allele origin: germline.
Comment: In summary, the available evidence is currently insufficient to determine the role of this variant in disease. Therefore, it has been classified as a Variant of Uncertain Significance. Advanced modeling of protein sequence and biophysical properties (such as structural, functional, and spatial information, amino acid conservation, physicochemical variation, residue mobility, and thermodynamic stability) performed at Invitae indicates that this missense variant is not expected to disrupt IDH2 protein function. This variant has not been reported in the literature in individuals affected with IDH2-related conditions. This variant is present in population databases (rs767832682, gnomAD 0.0009%). This sequence change replaces isoleucine, which is neutral and non-polar, with threonine, which is neutral and polar, at codon 142 of the IDH2 protein (p.Ile142Thr).